The following is an entry in ClinVar:

NM_017617.5(NOTCH1):c.5570C>G (p.Ala1857Gly)

Gene: NOTCH1 (notch receptor 1; minus strand). Cytogenetic location: 9q34.3.
Variant type: single nucleotide variant.
Coding change: c.5570C>G on transcript NM_017617.5 (MANE Select); coding-DNA position 5570, C replaced by G.
Protein change: p.Ala1857Gly; replaces alanine 1857 with glycine.
Molecular consequence: missense variant.
Genome position (GRCh38, 1-based): chr9:136,501,816, G>C on the plus strand (C>G on the coding strand, the complement: NOTCH1 is on the minus strand). VCF-style: chr9-136501816-G-C. GRCh37 (hg19) VCF-style: chr9-139396268-G-C.
Other names: c.5570C>G (NM_017617.3); short protein forms A1857G.
Identifiers: ClinVar variation 1052903 (VCV001052903.10), dbSNP rs1370862526, ClinGen allele CA375639119.

ClinVar aggregate classification (germline): Uncertain significance. Review status: criteria provided, multiple submitters, no conflicts (2 of 4 stars). 2 submissions from 2 submitters: Uncertain significance (2). Last evaluated 2025-01-17.

Conditions:
Adams-Oliver syndrome 5 (AOS5). Identifiers: Orphanet 974, MedGen C4014970, MONDO:0014459, OMIM 616028.
Familial thoracic aortic aneurysm and aortic dissection (TAAD). Also called: Thoracic aortic aneurysms and dissections. Identifiers: Orphanet 91387, MedGen C4707243, MONDO:0019625.

Allele frequency attached by ClinVar (database versions not stated): gnomAD exomes below 0.00001 and 0.00001.
gnomAD v4.1: 10 of 1,612,710 alleles (0.00062%); highest among the groups gnomAD compares: Non-Finnish European, 0.00085%; no homozygotes.

Submissions (2):

Labcorp Genetics (formerly Invitae), Labcorp
Classification: Uncertain significance for Adams-Oliver syndrome 5. Last evaluated: 2025-01-17. Review status: criteria provided, single submitter. Criteria: Invitae Variant Classification Sherloc (09022015). Collection method: clinical testing. Allele origin: germline.
Comment: This sequence change replaces alanine, which is neutral and non-polar, with glycine, which is neutral and non-polar, at codon 1857 of the NOTCH1 protein (p.Ala1857Gly). This variant is present in population databases (no rsID available, gnomAD 0.0009%). This variant has not been reported in the literature in individuals affected with NOTCH1-related conditions. ClinVar contains an entry for this variant (Variation ID: 1052903). Invitae Evidence Modeling of protein sequence and biophysical properties (such as structural, functional, and spatial information, amino acid conservation, physicochemical variation, residue mobility, and thermodynamic stability) indicates that this missense variant is not expected to disrupt NOTCH1 protein function with a negative predictive value of 80%. In summary, the available evidence is currently insufficient to determine the role of this variant in disease. Therefore, it has been classified as a Variant of Uncertain Significance.

Ambry Genetics
Classification: Uncertain significance for Familial thoracic aortic aneurysm and aortic dissection. Last evaluated: 2024-02-22. Review status: criteria provided, single submitter. Criteria: Ambry Variant Classification Scheme 2023. Collection method: clinical testing. Allele origin: germline.
Comment: The p.A1857G variant (also known as c.5570C>G), located in coding exon 30 of the NOTCH1 gene, results from a C to G substitution at nucleotide position 5570. The alanine at codon 1857 is replaced by glycine, an amino acid with similar properties. This amino acid position is conserved. In addition, this alteration is predicted to be tolerated by in silico analysis. Based on the available evidence, the clinical significance of this alteration remains unclear.